The following is an entry in ClinVar:

NM_000322.5(PRPH2):c.274G>A (p.Ala92Thr)

Gene: PRPH2 (peripherin 2; minus strand). Cytogenetic location: 6p21.1.
Variant type: single nucleotide variant.
Coding change: c.274G>A on transcript NM_000322.5 (MANE Select); coding-DNA position 274, G replaced by A.
Protein change: p.Ala92Thr; replaces alanine 92 with threonine.
Molecular consequence: missense variant.
Genome position (GRCh38, 1-based): chr6:42,722,061, C>T on the plus strand (G>A on the coding strand, the complement: PRPH2 is on the minus strand). VCF-style: chr6-42722061-C-T. GRCh37 (hg19) VCF-style: chr6-42689799-C-T.
Other names: short protein forms A92T.
Identifiers: ClinVar variation 2822599 (VCV002822599.3), dbSNP rs1761914105, ClinGen allele CA364138056.

ClinVar aggregate classification (germline): Uncertain significance (1 of 4 stars; one submission).

Conditions:
PRPH2-related disorder. Also called: PRPH2-related disorders; PRPH2-related condition. Identifiers: MedGen CN239395.

Allele frequency attached by ClinVar (database versions not stated): TOPMed below 0.00001.

Submission:

Labcorp Genetics (formerly Invitae), Labcorp
Classification: Uncertain significance for PRPH2-related disorder. Last evaluated: 2022-12-20. Review status: criteria provided, single submitter. Criteria: Invitae Variant Classification Sherloc (09022015). Collection method: clinical testing. Allele origin: germline.
Comment: This sequence change replaces alanine, which is neutral and non-polar, with threonine, which is neutral and polar, at codon 92 of the PRPH2 protein (p.Ala92Thr). This variant is not present in population databases (gnomAD no frequency). In summary, the available evidence is currently insufficient to determine the role of this variant in disease. Therefore, it has been classified as a Variant of Uncertain Significance. Advanced modeling of protein sequence and biophysical properties (such as structural, functional, and spatial information, amino acid conservation, physicochemical variation, residue mobility, and thermodynamic stability) performed at Invitae indicates that this missense variant is not expected to disrupt PRPH2 protein function. This variant has not been reported in the literature in individuals affected with PRPH2-related conditions.